The following is an entry in ClinVar:

ClinVar aggregate classification (germline): Pathogenic (1 of 4 stars; one submission).

Conditions:
Cataract 1 multiple types. Also called: CATARACT 1, MULTIPLE TYPES, WITH OR WITHOUT MICROCORNEA; CATARACT 1, NUCLEAR PROGRESSIVE; CATARACT 1 WITH MICROCORNEA; CATARACT 1, POSTERIOR SUBCAPSULAR, WITH MICROCORNEA; CATARACT 1, STELLATE NUCLEAR, WITH MICROCORNEA; CATARACT, DUFFY-LINKED. Identifiers: Orphanet 1377, MedGen C1861828, MONDO:0007285, OMIM 116200.

Submission:

Labcorp Genetics (formerly Invitae), Labcorp
Classification: Pathogenic for Cataract 1. Last evaluated: 2019-10-24. Review status: criteria provided, single submitter. Criteria: Invitae Variant Classification Sherloc (09022015). Collection method: clinical testing. Allele origin: germline.
Comment: A gross deletion of the genomic region encompassing the full coding sequence of the GJA8 gene has been identified. The boundaries of this event are unknown as the deletion extends beyond the assayed region for this gene and therefore may encompass additional genes. This variant has not been reported in the literature in individuals with GJA8-related conditions. Loss-of-function variants in GJA8 are known to be pathogenic (PMID: 17601931, 23720739, 23772370). For these reasons, this variant has been classified as Pathogenic.

NC_000001.10:g.(?_147380063)_(147381404_?)del

Gene: GJA8 (gap junction protein alpha 8; plus strand). Cytogenetic location: 1q21.2.
Variant type: Deletion.
Identifiers: ClinVar variation 833373 (VCV000833373.1).